The following is an entry in ClinVar:

NM_000059.4(BRCA2):c.744T>A (p.Ala248=)

Gene: BRCA2 (BRCA2 DNA repair associated; plus strand). Cytogenetic location: 13q13.1.
Variant type: single nucleotide variant.
Coding change: c.744T>A on transcript NM_000059.4 (MANE Select); coding-DNA position 744, T replaced by A.
Protein change: p.Ala248=; no amino-acid change (alanine 248 retained).
Molecular consequence: synonymous variant.
Genome position (GRCh38, 1-based): chr13:32,330,981, T>A. VCF-style: chr13-32330981-T-A. GRCh37 (hg19) VCF-style: chr13-32905118-T-A.
Identifiers: ClinVar variation 427501 (VCV000427501.3), dbSNP rs756883537, ClinGen allele CA6940440.

ClinVar aggregate classification (germline): Likely benign (3 of 4 stars; one submission).

Conditions:
Breast-ovarian cancer, familial, susceptibility to, 2 (BROVCA2). Also called: BRCA2 Hereditary Breast and Ovarian Cancer. Identifiers: Orphanet 145, MedGen C2675520, MONDO:0012933, OMIM 612555. Disease mechanism: loss of function.

Allele frequency attached by ClinVar (database versions not stated): ExAC 0.00001.
gnomAD v4.1: 4 of 1,613,874 alleles (0.00025%); highest among the groups gnomAD compares: South Asian, 0.0044%; no homozygotes.

Submission:

Evidence-based Network for the Interpretation of Germline Mutant Alleles (ENIGMA)
Classification: Likely benign for Breast-ovarian cancer, familial, susceptibility to, 2. Last evaluated: 2017-06-29. Review status: reviewed by expert panel. Criteria: ENIGMA BRCA1/2 Classification Criteria (2017-06-29). Collection method: curation. Allele origin: germline.
Comment: Synonymous substitution variant, with low bioinformatic likelihood to result in a splicing aberration (Splicing prior probability 0.02).